The following is an entry in ClinVar:

NM_003098.3(SNTA1):c.146del (p.Pro49fs)

Gene: SNTA1 (syntrophin alpha 1; minus strand). Cytogenetic location: 20q11.21.
Variant type: Deletion.
Coding change: c.146del on transcript NM_003098.3 (MANE Select); coding-DNA position 146, one base deleted (C; older notation c.146delC).
Protein change: p.Pro49fs; shifts the reading frame from proline 49.
Molecular consequence: frameshift variant.
Genome position (GRCh38, 1-based): chr20:33,443,475, G deleted on the plus strand (C on the coding strand, the reverse complement: SNTA1 is on the minus strand); the first of 3 consecutive G bases (chr20:33,443,475-33,443,477); deleting any one gives the same sequence. VCF-style (leftmost placement, unchanged base first): chr20-33443474-AG-A. GRCh37 (hg19) VCF-style: chr20-32031280-AG-A.
Other names: c.146del, p.Pro49fs (NM_001424413.1, NM_001424414.1); c.144delC, p.Pro49Leufs (NM_003098.2); short protein forms P49fs.
Identifiers: ClinVar variation 3769705 (VCV003769705.1).
Genomic context (GRCh38, chr20:33,443,474, plus strand): 5'-CTCCGCGGCGCCGTTGAGCTGCGCGGGCTCCTGCTCCCGCGGAGCGCCGGGCTCGGGACC[AG>A]GGTCGCCGTCGGCGGGGCTCACGGTCAGCACGTCCTCCGCCAGACTCAGCAGCACCCGCT-3'

ClinVar aggregate classification (germline): Uncertain significance (1 of 4 stars; one submission).

Submission:

GeneDx
Classification: Uncertain significance. Last evaluated: 2024-09-12. Review status: criteria provided, single submitter. Criteria: GeneDx Variant Classification Process June 2021. Collection method: clinical testing. Allele origin: germline. Affected: yes.
Comment: Frameshift variant predicted to result in protein truncation or nonsense mediated decay in a gene or region of a gene for which loss of function is not a well-established mechanism of disease; Not observed at significant frequency in large population cohorts (gnomAD); Has not been previously published as pathogenic or benign to our knowledge